The following is an entry in ClinVar:

ClinVar aggregate classification (germline): Uncertain significance (1 of 4 stars; one submission).

Conditions:
Hereditary cancer-predisposing syndrome. Also called: Neoplastic Syndromes, Hereditary; Tumor predisposition; Hereditary Cancer Syndrome; Hereditary neoplastic syndrome. Identifiers: Orphanet 140162, MedGen C0027672, MeSH D009386, MONDO:0015356.

Submission:

Ambry Genetics
Classification: Uncertain significance for Hereditary cancer-predisposing syndrome. Last evaluated: 2025-10-29. Review status: criteria provided, single submitter. Criteria: Ambry Variant Classification Scheme 2023. Collection method: clinical testing. Allele origin: germline.
Comment: The c.-1-2A>G intronic variant is located in the 5' untranslated region (5&rsquo; UTR) of the POLD1 gene. This intronic variant results from an A to G substitution two nucleotides upstream from the first translated codon. This nucleotide position is highly conserved in available vertebrate species. In silico splice site analysis predicts that this alteration will weaken the native splice acceptor site. Based on the available evidence, the clinical significance of this variant remains unclear.

NM_002691.4(POLD1):c.-1-2A>G

Gene: POLD1 (DNA polymerase delta 1, catalytic subunit; plus strand). Cytogenetic location: 19q13.33.
Variant type: single nucleotide variant.
Coding change: c.-1-2A>G on transcript NM_002691.4 (MANE Select); the canonical splice acceptor site of the intron before 1 bases upstream of the start codon, A replaced by G.
Molecular consequence: splice acceptor variant. On other transcripts: 5 prime UTR variant (2).
Genome position (GRCh38, 1-based): chr19:50,398,849, A>G. VCF-style: chr19-50398849-A-G. GRCh37 (hg19) VCF-style: chr19-50902106-A-G.
Other names: c.-3A>G (NM_001256849.1, NM_001438210.1); c.-1-2A>G (NM_001438212.1, NM_001438213.1, NM_001438211.1).
Identifiers: ClinVar variation 4669121 (VCV004669121.1).